The following is an entry in ClinVar:

ClinVar aggregate classification (germline): Likely pathogenic (1 of 4 stars; one submission).

Submission:

Labcorp Genetics (formerly Invitae), Labcorp
Classification: Likely pathogenic. Last evaluated: 2017-05-17. Review status: criteria provided, single submitter. Criteria: Invitae Variant Classification Sherloc (09022015). Collection method: clinical testing. Allele origin: germline.
Comment: In summary, the currently available evidence indicates that the variant is pathogenic, but additional data are needed to prove that conclusively. Therefore, this variant has been classified as Likely Pathogenic. Donor and acceptor splice site variants typically lead to a loss of protein function (PMID: 16199547), and loss-of-function variants in ITPR1 are known to be pathogenic (PMID: 27108797, 21555639, 17590087, 21367767). Algorithms developed to predict the effect of sequence changes on RNA splicing suggest that this variant may disrupt the consensus splice site, but this prediction has not been confirmed by published transcriptional studies. This variant has not been reported in the literature in individuals with a ITPR1-related disease. This variant is not present in population databases (ExAC no frequency). This sequence change affects a donor splice site in intron 29 of the ITPR1 gene. It is expected to disrupt RNA splicing and likely results in an absent or disrupted protein product.

Literature cited by the submitters: PubMed 16199547; PubMed 27108797; PubMed 21555639; PubMed 17590087; PubMed 21367767.

NM_001378452.1(ITPR1):c.3702+1G>A

Gene: ITPR1 (inositol 1,4,5-trisphosphate receptor type 1; plus strand). Cytogenetic location: 3p26.1.
Variant type: single nucleotide variant.
Coding change: c.3702+1G>A on transcript NM_001378452.1 (MANE Select); the canonical splice donor site of the intron after coding-DNA position 3702, G replaced by A.
Molecular consequence: splice donor variant.
Genome position (GRCh38, 1-based): chr3:4,685,207, G>A. VCF-style: chr3-4685207-G-A. GRCh37 (hg19) VCF-style: chr3-4726891-G-A.
Other names: c.3675+1G>A (NM_001099952.4); c.3657+1G>A (NM_001168272.2); c.3630+1G>A (NM_002222.7).
Identifiers: ClinVar variation 1067885 (VCV001067885.5), dbSNP rs2125235756, ClinGen allele CA351651801.